The following is an entry in ClinVar:

ClinVar aggregate classification (germline): Uncertain significance (1 of 4 stars; one submission).

Submission:

GeneDx
Classification: Uncertain significance. Last evaluated: 2023-07-18. Review status: criteria provided, single submitter. Criteria: GeneDx Variant Classification Process June 2021. Collection method: clinical testing. Allele origin: germline. Affected: yes.
Comment: Has not been previously published as pathogenic or benign to our knowledge; Not observed at significant frequency in large population cohorts (gnomAD); In silico analysis supports that this missense variant has a deleterious effect on protein structure/function

NM_003280.3(TNNC1):c.446A>G (p.Asp149Gly)

Gene: TNNC1 (troponin C1, slow skeletal and cardiac type; minus strand). Cytogenetic location: 3p21.1.
Variant type: single nucleotide variant.
Coding change: c.446A>G on transcript NM_003280.3 (MANE Select); coding-DNA position 446, A replaced by G.
Protein change: p.Asp149Gly; replaces aspartic acid 149 with glycine.
Molecular consequence: missense variant.
Genome position (GRCh38, 1-based): chr3:52,451,399, T>C on the plus strand (A>G on the coding strand, the complement: TNNC1 is on the minus strand). VCF-style: chr3-52451399-T-C. GRCh37 (hg19) VCF-style: chr3-52485415-T-C.
Other names: p.D149G:GAC>GGC; c.446A>G (LRG_378t1); short protein forms D149G.
Identifiers: ClinVar variation 181568 (VCV000181568.4), dbSNP rs730881062, ClinGen allele CA297331.
Genomic context (GRCh38, chr3:52,451,399, plus strand): 5'-TAGGGGCTGGGCAGGGCATGGAGGCAGGAGATCAGCCCACCCACCCGCTTACCATCATAG[T>C]CGATGCGGCCGTCGTTGTTCTTGTCTCCGTCCTTCATGAGCTCCTCGATGTCGTCCTCCG-3'
Protein context (NP_003271.1, residues 139-159): DGDKNNDGRI[Asp149Gly]YDEFLEFMKG